The following is an entry in ClinVar:

ClinVar aggregate classification (germline): Benign/Likely benign. Review status: criteria provided, multiple submitters, no conflicts (2 of 4 stars). 4 submissions from 4 submitters: Benign (1); Likely benign (3). Last evaluated 2025-07-01.

Allele frequency attached by ClinVar (database versions not stated): gnomAD exomes 0.00001 and 0.00005; ExAC 0.00005.

Submissions (4):

CeGaT Center for Human Genetics Tuebingen
Classification: Likely benign. Last evaluated: 2025-07-01. Review status: criteria provided, single submitter. Criteria: CeGaT Center For Human Genetics Tuebingen Variant Classification Criteria Version 2. Collection method: clinical testing. Allele origin: germline. Affected: yes. Observed: 1 variant allele.
Comment: NEXMIF: BP4, BS2

Labcorp Genetics (formerly Invitae), Labcorp
Classification: Benign. Last evaluated: 2024-10-22. Review status: criteria provided, single submitter. Criteria: Invitae Variant Classification Sherloc (09022015). Collection method: clinical testing. Allele origin: germline.

Ambry Genetics
Classification: Likely benign. Last evaluated: 2023-04-18. Review status: criteria provided, single submitter. Criteria: Ambry Variant Classification Scheme 2023. Collection method: clinical testing. Allele origin: germline.

Blueprint Genetics
Classification: Likely benign. Last evaluated: 2021-12-13. Review status: criteria provided, single submitter. Criteria: ACMG Guidelines, 2015. Collection method: clinical testing. Allele origin: germline.

NM_001008537.3(NEXMIF):c.3479A>G (p.Asn1160Ser)

Gene: NEXMIF (neurite extension and migration factor; minus strand). Cytogenetic location: Xq13.3.
Variant type: single nucleotide variant.
Coding change: c.3479A>G on transcript NM_001008537.3 (MANE Select); coding-DNA position 3479, A replaced by G.
Protein change: p.Asn1160Ser; replaces asparagine 1160 with serine.
Molecular consequence: missense variant.
Genome position (GRCh38, 1-based): chrX:74,741,078, T>C on the plus strand (A>G on the coding strand, the complement: NEXMIF is on the minus strand). VCF-style: chrX-74741078-T-C. GRCh37 (hg19) VCF-style: chrX-73960913-T-C.
Other names: c.3479A>G (NM_001008537.2); short protein forms N1160S.
Identifiers: ClinVar variation 1167512 (VCV001167512.20), dbSNP rs764370545, ClinGen allele CA10454939.